The following is an entry in ClinVar:

ClinVar aggregate classification (germline): Uncertain significance (1 of 4 stars; one submission).

Submission:

GeneDx
Classification: Uncertain significance. Last evaluated: 2016-09-20. Review status: criteria provided, single submitter. Criteria: GeneDx Variant Classification (06012015). Collection method: clinical testing. Allele origin: germline. Affected: yes.
Comment: The c.870_872delTGA variant in the STK11 gene causes an in-frame deletion of a Glutamic Acid residue, denoted p.Glu291del. This deletion of a single residue occurs at a position that is conserved across species and is located within the protein kinase domain (Uniprot). This variant has not been published in the literature as pathogenic or benign. Since in-frame deletions may or may not inhibit proper protein function, the clinical significance of this finding remains unclear at this time and we consider c.870_872delTGA to be a variant of uncertain significance.

NM_000455.5(STK11):c.870_872del (p.Glu291del)

Gene: STK11 (serine/threonine kinase 11; plus strand). Cytogenetic location: 19p13.3.
Variant type: Deletion.
Coding change: c.870_872del on transcript NM_000455.5 (MANE Select); coding-DNA positions 870 to 872, 3 bases deleted (TGA; older notation c.870_872delTGA).
Protein change: p.Glu291del; deletes glutamic acid 291.
Molecular consequence: inframe deletion.
Genome position (GRCh38, 1-based): chr19:1,221,956-1,221,958, TGA deleted. VCF-style (leftmost placement, unchanged base first): chr19-1221955-TTGA-T. GRCh37 (hg19) VCF-style: chr19-1221954-TTGA-T.
Other names: c.870_872delTGA (NM_000455.4); short protein forms E291del.
Identifiers: ClinVar variation 422324 (VCV000422324.2), dbSNP rs1064795706, ClinGen allele CA16620753.